The following is an entry in ClinVar:

NM_000384.3(APOB):c.12663_12664dup (p.Arg4222fs)

Gene: APOB (apolipoprotein B; minus strand). Cytogenetic location: 2p24.1.
Variant type: Duplication.
Coding change: c.12663_12664dup on transcript NM_000384.3 (MANE Select); coding-DNA positions 12663 to 12664, 2 bases duplicated (AA; older notation c.12663_12664dupAA).
Protein change: p.Arg4222fs; shifts the reading frame from arginine 4222.
Molecular consequence: frameshift variant.
Genome position (GRCh38, 1-based): chr2:21,002,758-21,002,759, TT duplicated on the plus strand (AA on the coding strand, the reverse complement: APOB is on the minus strand). VCF-style (leftmost placement, unchanged base first): chr2-21002757-C-CTT. GRCh37 (hg19) VCF-style: chr2-21225629-C-CTT.
Other names: short protein forms R4222fs.
Identifiers: ClinVar variation 4788621 (VCV004788621.1).

ClinVar aggregate classification (germline): Uncertain significance (1 of 4 stars; one submission).

Conditions:
Familial hypobetalipoproteinemia 1. Also called: APOB-Related Familial Hypobetalipoproteinemia; Hypobetalipoproteinemia, normotriglyceridemic; Acanthocytosis with hypobetalipoproteinemia. Identifiers: MedGen C4551990, MONDO:0014252, OMIM 615558.
Hypercholesterolemia, autosomal dominant, type B (FHCL2). Also called: APOB-Related Familial Hypercholesterolemia, Autosomal Dominant; Familial hypercholesterolemia 2; Familial Hypercholesterolemia Type B; APOLIPOPROTEIN B-100, FAMILIAL DEFECTIVE; APOLIPOPROTEIN B-100, FAMILIAL LIGAND-DEFECTIVE; HYPERCHOLESTEROLEMIA, FAMILIAL, DUE TO LIGAND-DEFECTIVE APOLIPOPROTEIN B. Identifiers: MedGen C1704417, MONDO:0007751, OMIM 144010.

Submission:

Labcorp Genetics (formerly Invitae), Labcorp
Classification: Uncertain significance for Familial hypobetalipoproteinemia 1; Hypercholesterolemia, autosomal dominant, type B. Last evaluated: 2025-03-17. Review status: criteria provided, single submitter. Criteria: Invitae Variant Classification Sherloc (09022015). Collection method: clinical testing. Allele origin: germline.
Comment: This sequence change creates a premature translational stop signal (p.Arg4222Lysfs*4) in the APOB gene. While this is not anticipated to result in nonsense mediated decay, it is expected to disrupt the last 342 amino acid(s) of the APOB protein. This variant is present in population databases (no rsID available, gnomAD 0.0009%). This variant has not been reported in the literature in individuals affected with APOB-related conditions. This variant disrupts a region of the APOB protein in which other variant(s) (p.Tyr4380*) have been observed in individuals with APOB-related conditions (internal data). This suggests that this is a clinically significant region of the protein, and that variants that disrupt it are likely to be disease-causing. In summary, the available evidence is currently insufficient to determine the role of this variant in disease. Therefore, it has been classified as a Variant of Uncertain Significance.